The following is an entry in ClinVar:

NM_025137.4(SPG11):c.2199A>T (p.Leu733Phe)

Gene: SPG11 (SPG11 vesicle trafficking associated, spatacsin; minus strand). Cytogenetic location: 15q21.1.
Variant type: single nucleotide variant.
Coding change: c.2199A>T on transcript NM_025137.4 (MANE Select); coding-DNA position 2199, A replaced by T.
Protein change: p.Leu733Phe; replaces leucine 733 with phenylalanine.
Molecular consequence: missense variant.
Genome position (GRCh38, 1-based): chr15:44,626,376, T>A on the plus strand (A>T on the coding strand, the complement: SPG11 is on the minus strand). VCF-style: chr15-44626376-T-A. GRCh37 (hg19) VCF-style: chr15-44918574-T-A.
Other names: c.2199A>T, p.Leu733Phe (NM_001160227.2); short protein forms L733F.
Identifiers: ClinVar variation 1003970 (VCV001003970.6), dbSNP rs370856739, ClinGen allele CA7535329.

ClinVar aggregate classification (germline): Uncertain significance (1 of 4 stars; one submission).

Conditions:
Hereditary spastic paraplegia 11. Also called: Spastic Paraplegia 11; SPASTIC PARAPLEGIA, AUTOSOMAL RECESSIVE, COMPLICATED, WITH THIN CORPUS CALLOSUM; SPASTIC PARAPLEGIA, AUTOSOMAL RECESSIVE, WITH MENTAL IMPAIRMENT AND THIN CORPUS CALLOSUM; Nakamura Osame syndrome; Autosomal recessive hereditary spastic paraplegia, mental impairment, and thin corpus callosum; Spastic paraplegia, mental retardation and thin corpus callosum. Identifiers: Orphanet 2822, MedGen C1858479, MONDO:0011445, OMIM 604360.

Allele frequency attached by ClinVar (database versions not stated): gnomAD 0.00001; gnomAD exomes 0.00002 and 0.00004; ExAC 0.00003; TOPMed 0.00003; ESP Exome Variant Server 0.00008.
gnomAD v4.1: 13 of 1,613,446 alleles (0.00081%); highest among the groups gnomAD compares: Admixed American, 0.02%; no homozygotes.

Submission:

Labcorp Genetics (formerly Invitae), Labcorp
Classification: Uncertain significance for Hereditary spastic paraplegia 11. Last evaluated: 2025-08-18. Review status: criteria provided, single submitter. Criteria: Invitae Variant Classification Sherloc (09022015). Collection method: clinical testing. Allele origin: germline.
Comment: This sequence change replaces leucine, which is neutral and non-polar, with phenylalanine, which is neutral and non-polar, at codon 733 of the SPG11 protein (p.Leu733Phe). This variant is present in population databases (rs370856739, gnomAD 0.03%). This variant has not been reported in the literature in individuals affected with SPG11-related conditions. ClinVar contains an entry for this variant (Variation ID: 1003970). Invitae Evidence Modeling of protein sequence and biophysical properties (such as structural, functional, and spatial information, amino acid conservation, physicochemical variation, residue mobility, and thermodynamic stability) indicates that this missense variant is expected to disrupt SPG11 protein function with a positive predictive value of 80%. In summary, the available evidence is currently insufficient to determine the role of this variant in disease. Therefore, it has been classified as a Variant of Uncertain Significance.